The following is an entry in ClinVar:

NM_007289.4(MME):c.2154-5_2160del

Gene: MME (membrane metalloendopeptidase; plus strand). Cytogenetic location: 3q25.2.
Variant type: Deletion.
Coding change: c.2154-5_2160del on transcript NM_007289.4 (MANE Select); 5 bases into the intron before coding-DNA position 2154 through coding-DNA position 2160, 12 bases deleted (CAAAGGATTATT).
Molecular consequence: splice acceptor variant.
Genome position (GRCh38, 1-based): chr3:155,180,355-155,180,366, CAAAGGATTATT deleted; deleting any 12 consecutive bases within chr3:155,180,353-155,180,366 gives the same sequence; the c. name uses the placement nearest the transcript's 3' end. VCF-style (leftmost placement, unchanged base first): chr3-155180352-TTTCAAAGGATTA-T. GRCh37 (hg19) VCF-style: chr3-154898141-TTTCAAAGGATTA-T.
Other names: c.2154-5_2160del (NM_001354642.2, NM_000902.5, NM_007287.4 and 2 more transcripts); c.2154-5_2160del12 (NM_007289.2).
Identifiers: ClinVar variation 1374922 (VCV001374922.6), dbSNP rs1712962174, ClinGen allele CA1412813380.
Genomic context (GRCh38, chr3:155,180,352, plus strand): 5'-CAGGGCTCCAGTGTGGTATGGACGTGAGTATCAAATGCTGACGGTGACTTTTTTTGTTTG[TTTCAAAGGATTA>T]TTGGGACTTTGCAGAACTCTGCAGAGTTTTCAGAAGCCTTTCACTGCCGCAAGAATTCAT-3'

ClinVar aggregate classification (germline): Uncertain significance. Review status: criteria provided, multiple submitters, no conflicts (2 of 4 stars). 2 submissions from 2 submitters: Uncertain significance (2). Last evaluated 2023-01-09.

Conditions:
Inborn genetic diseases. Identifiers: MedGen C0950123, MeSH D030342.

Submissions (2):

Ambry Genetics
Classification: Uncertain significance for Inborn genetic diseases. Last evaluated: 2023-01-09. Review status: criteria provided, single submitter. Criteria: Ambry Variant Classification Scheme 2023. Collection method: clinical testing. Allele origin: germline.
Comment: The c.2154-5_2160del12 alteration consists of a deletion of 12 nucleotides from nucleotide positions c.2154-5 to c.2160 and involves the canonical splice acceptor site before exon 23 (coding exon 22) of the MME gene. This alteration occurs at the 3' terminus of the MME gene, is not expected to trigger nonsense-mediated mRNA decay, and only impacts the last 4% of the protein. The exact functional effect of this alteration is unknown. This variant was not reported in population-based cohorts in the Genome Aggregation Database (gnomAD). This canonical acceptor site is highly conserved in available vertebrate species. In silico splice site analysis predicts that this alteration will result in the creation or strengthening of a novel splice acceptor site. Based on insufficient or conflicting evidence, the clinical significance of this alteration remains unclear.

Labcorp Genetics (formerly Invitae), Labcorp
Classification: Uncertain significance. Last evaluated: 2021-07-13. Review status: criteria provided, single submitter. Criteria: Invitae Variant Classification Sherloc (09022015). Collection method: clinical testing. Allele origin: germline.
Comment: This variant results in the deletion of part of exon 23 (c.2154-5_2160del) of the MME gene. While this variant is not anticipated to result in nonsense mediated decay, it likely alters RNA splicing and results in a disrupted protein product. This variant is not present in population databases (ExAC no frequency). This variant has not been reported in the literature in individuals affected with MME-related conditions. Nucleotide substitutions within the consensus splice site are a relatively common cause of aberrant splicing (PMID: 17576681, 9536098). Algorithms developed to predict the effect of sequence changes on RNA splicing suggest that this variant may disrupt the consensus splice site. In summary, the available evidence is currently insufficient to determine the role of this variant in disease. Therefore, it has been classified as a Variant of Uncertain Significance.

Literature cited by the submitters: PubMed 17576681 (cited by Labcorp Genetics (formerly Invitae), Labcorp); PubMed 9536098 (cited by Labcorp Genetics (formerly Invitae), Labcorp).